The following is an entry in ClinVar:

ClinVar aggregate classification (germline): Uncertain significance. Review status: criteria provided, multiple submitters, no conflicts (2 of 4 stars). 4 submissions from 4 submitters: Uncertain significance (4). Last evaluated 2025-10-13.

Conditions:
Inborn genetic diseases. Identifiers: MedGen C0950123, MeSH D030342.
Radioulnar synostosis with amegakaryocytic thrombocytopenia 2 (RUSAT2). Also called: RADIOULNAR SYNOSTOSIS AND AMEGAKARYOCYTIC THROMBOCYTOPENIA 2. Identifiers: Orphanet 71289, MedGen C4225221, MONDO:0014758, OMIM 616738.

Allele frequency attached by ClinVar (database versions not stated): gnomAD 0.00001; TOPMed 0.00001.
gnomAD v4.1: 14 of 1,614,018 alleles (0.00087%); highest among the groups gnomAD compares: Non-Finnish European, 0.0011%; no homozygotes.

Submissions (4):

Labcorp Genetics (formerly Invitae), Labcorp
Classification: Uncertain significance. Last evaluated: 2025-10-13. Review status: criteria provided, single submitter. Criteria: Invitae Variant Classification Sherloc (09022015). Collection method: clinical testing. Allele origin: germline.
Comment: This sequence change replaces alanine, which is neutral and non-polar, with valine, which is neutral and non-polar, at codon 246 of the MECOM protein (p.Ala246Val). The frequency data for this variant in the population databases is considered unreliable, as metrics indicate poor data quality at this position in the gnomAD database. This variant has not been reported in the literature in individuals affected with MECOM-related conditions. ClinVar contains an entry for this variant (Variation ID: 2731626). An algorithm developed to predict the effect of missense changes on protein structure and function (PolyPhen-2) suggests that this variant is likely to be tolerated. In summary, the available evidence is currently insufficient to determine the role of this variant in disease. Therefore, it has been classified as a Variant of Uncertain Significance.

Ambry Genetics
Classification: Uncertain significance for Inborn genetic diseases. Last evaluated: 2024-10-04. Review status: criteria provided, single submitter. Criteria: Ambry Variant Classification Scheme 2023. Collection method: clinical testing. Allele origin: germline.
Comment: The p.A434V variant (also known as c.1301C>T), located in coding exon 8 of the MECOM gene, results from a C to T substitution at nucleotide position 1301. The alanine at codon 434 is replaced by valine, an amino acid with similar properties. This amino acid position is conserved. In addition, this alteration is predicted to be tolerated by in silico analysis. Based on the available evidence, the clinical significance of this variant remains unclear.

CeGaT Center for Human Genetics Tuebingen
Classification: Uncertain significance. Last evaluated: 2024-08-01. Review status: criteria provided, single submitter. Criteria: CeGaT Center For Human Genetics Tuebingen Variant Classification Criteria Version 2. Collection method: clinical testing. Allele origin: germline. Affected: yes. Observed: 1 variant allele.

Department of Pathology and Laboratory Medicine, Sinai Health System
Classification: Uncertain significance for Radioulnar synostosis with amegakaryocytic thrombocytopenia 2. Last evaluated: 2022-02-28. Review status: criteria provided, single submitter. Criteria: ACMG Guidelines, 2015. Collection method: research. Allele origin: germline.

NM_004991.4(MECOM):c.1301C>T (p.Ala434Val)

Gene: MECOM (MDS1 and EVI1 complex locus; minus strand). Cytogenetic location: 3q26.2.
Variant type: single nucleotide variant.
Coding change: c.1301C>T on transcript NM_004991.4 (MANE Select); coding-DNA position 1301, C replaced by T.
Protein change: p.Ala434Val; replaces alanine 434 with valine.
Molecular consequence: missense variant. On other transcripts: intron variant (2).
Genome position (GRCh38, 1-based): chr3:169,116,571, G>A on the plus strand (C>T on the coding strand, the complement: MECOM is on the minus strand). VCF-style: chr3-169116571-G-A. GRCh37 (hg19) VCF-style: chr3-168834359-G-A.
Other names: c.1301C>T (NM_004991.3); c.932C>T, p.Ala311Val (NM_001105077.4); c.737C>T, p.Ala246Val (NM_001105078.4, NM_001164000.2, NM_001205194.2 and 4 more transcripts); c.740C>T, p.Ala247Val (NM_001163999.2, NM_001366467.2, NM_001366468.2 and 1 more transcripts); c.1301C>T, p.Ala434Val (NM_001366466.2); c.1133-804C>T (NM_001366473.2); c.569-804C>T (NM_001366474.2); short protein forms A434V, A311V, A246V, A247V.
Identifiers: ClinVar variation 2731626 (VCV002731626.22), dbSNP rs1042646683, ClinGen allele CA87576734.